The following is an entry in ClinVar:

ClinVar aggregate classification (germline): Uncertain significance. Review status: criteria provided, multiple submitters, no conflicts (2 of 4 stars). 2 submissions from 2 submitters: Uncertain significance (2). Last evaluated 2025-08-04.

Submissions (2):

Dasa
Classification: Uncertain significance. Last evaluated: 2025-08-04. Review status: criteria provided, single submitter. Criteria: DASA Assertion Criteria. Collection method: clinical testing. Allele origin: germline.
Comment: NM_006005.3(WFS1):c.1846G>C (p.Ala616Pro) is a missense variant that results in the substitution of alanine with proline. This variant is absent from population databases. The currently available literature and clinical evidence are not sufficient to establish a definitive association between this variant and the reported condition. Therefore, this variant is classified as a variant of uncertain significance.

Labcorp Genetics (formerly Invitae), Labcorp
Classification: Uncertain significance. Last evaluated: 2024-11-04. Review status: criteria provided, single submitter. Criteria: Invitae Variant Classification Sherloc (09022015). Collection method: clinical testing. Allele origin: germline.
Comment: This sequence change replaces alanine, which is neutral and non-polar, with proline, which is neutral and non-polar, at codon 616 of the WFS1 protein (p.Ala616Pro). This variant is not present in population databases (gnomAD no frequency). This variant has not been reported in the literature in individuals affected with WFS1-related conditions. ClinVar contains an entry for this variant (Variation ID: 2794567). Invitae Evidence Modeling of protein sequence and biophysical properties (such as structural, functional, and spatial information, amino acid conservation, physicochemical variation, residue mobility, and thermodynamic stability) has been performed for this missense variant. However, the output from this modeling did not meet the statistical confidence thresholds required to predict the impact of this variant on WFS1 protein function. In summary, the available evidence is currently insufficient to determine the role of this variant in disease. Therefore, it has been classified as a Variant of Uncertain Significance.

NM_006005.3(WFS1):c.1846G>C (p.Ala616Pro)

Gene: WFS1 (wolframin ER transmembrane glycoprotein; plus strand). Cytogenetic location: 4p16.1.
Variant type: single nucleotide variant.
Coding change: c.1846G>C on transcript NM_006005.3 (MANE Select); coding-DNA position 1846, G replaced by C.
Protein change: p.Ala616Pro; replaces alanine 616 with proline.
Molecular consequence: missense variant.
Genome position (GRCh38, 1-based): chr4:6,301,641, G>C. VCF-style: chr4-6301641-G-C. GRCh37 (hg19) VCF-style: chr4-6303368-G-C.
Other names: c.1846G>C, p.Ala616Pro (NM_001145853.1); short protein forms A616P.
Identifiers: ClinVar variation 2794567 (VCV002794567.5), dbSNP rs553336498, ClinGen allele CA356176952.
Genomic context (GRCh38, chr4:6,301,641, plus strand): 5'-AAGATCGCAGTCACCGTGGCGGTCTGTAGTGTGCCCCTGCTGTTGCGCTGGTGGACCAAG[G>C]CCAGCTTCTCTGTGGTGGGGATGGTGAAGTCCCTGACGCGGAGCTCCATGGTCAAGCTCA-3'
Protein context (NP_005996.2, residues 606-626): VPLLLRWWTK[Ala616Pro]SFSVVGMVKS